The following is an entry in ClinVar:

ClinVar aggregate classification (germline): Pathogenic (1 of 4 stars; one submission).

Conditions:
3-Oxo-5 alpha-steroid delta 4-dehydrogenase deficiency (PPSH). Also called: 46,XY disorder of sex development due to 5-alpha-reductase 2 deficiency; FAMILIAL INCOMPLETE MALE PSEUDOHERMAPHRODITISM, TYPE 2; MALE PSEUDOHERMAPHRODITISM DUE TO 5-ALPHA-REDUCTASE DEFICIENCY; PSEUDOVAGINAL PERINEOSCROTAL HYPOSPADIAS. Identifiers: Orphanet 753, MedGen C0268297, MONDO:0009923, OMIM 264600. Disease mechanism: loss of function.

Submission:

Labcorp Genetics (formerly Invitae), Labcorp
Classification: Pathogenic for 3-Oxo-5 alpha-steroid delta 4-dehydrogenase deficiency. Last evaluated: 2025-06-03. Review status: criteria provided, single submitter. Criteria: Invitae Variant Classification Sherloc (09022015). Collection method: clinical testing. Allele origin: germline.
Comment: This sequence change creates a premature translational stop signal (p.Arg105Glyfs*26) in the SRD5A2 gene. It is expected to result in an absent or disrupted protein product. Loss-of-function variants in SRD5A2 are known to be pathogenic (PMID: 1406794, 1944596). This variant is not present in population databases (gnomAD no frequency). This variant has not been reported in the literature in individuals affected with SRD5A2-related conditions. ClinVar contains an entry for this variant (Variation ID: 2903813). For these reasons, this variant has been classified as Pathogenic.

Literature cited by the submitters: PubMed 1406794; PubMed 1944596.

NM_000348.4(SRD5A2):c.312del (p.Arg105fs)

Gene: SRD5A2 (steroid 5 alpha-reductase 2; minus strand). Cytogenetic location: 2p23.1.
Variant type: Deletion.
Coding change: c.312del on transcript NM_000348.4 (MANE Select); coding-DNA position 312, one base deleted (G; older notation c.312delG).
Protein change: p.Arg105fs; shifts the reading frame from arginine 105.
Molecular consequence: frameshift variant.
Genome position (GRCh38, 1-based): chr2:31,533,736, C deleted on the plus strand (G on the coding strand, the reverse complement: SRD5A2 is on the minus strand); the first of 3 consecutive C bases (chr2:31,533,736-31,533,738); deleting any one gives the same sequence. VCF-style (leftmost placement, unchanged base first): chr2-31533735-TC-T. GRCh37 (hg19) VCF-style: chr2-31758805-TC-T.
Other names: short protein forms R105fs.
Identifiers: ClinVar variation 2903813 (VCV002903813.3), dbSNP rs2465633048, ClinGen allele CA2658499286.